The following is an entry in ClinVar:

NM_001848.3(COL6A1):c.1002+6_1003-135del

Gene: COL6A1 (collagen type VI alpha 1 chain; plus strand). Cytogenetic location: 21q22.3.
Variant type: Deletion.
Coding change: c.1002+6_1003-135del on transcript NM_001848.3 (MANE Select); 6 bases into the intron after coding-DNA position 1002 through 135 bases into the intron before coding-DNA position 1003, 211 bases deleted.
Molecular consequence: splice donor variant.
Genome position (GRCh38, 1-based): chr21:45,990,428-45,990,638, 211 bases deleted. GRCh37 (hg19): chr21:47,410,342-47,410,552.
Identifiers: ClinVar variation 1525215 (VCV001525215.6), dbSNP rs2123472135, ClinGen allele CA2573157625.

ClinVar aggregate classification (germline): Uncertain significance (1 of 4 stars; one submission).

Conditions:
Bethlem myopathy 1A. Also called: MYOPATHY, BENIGN CONGENITAL, WITH CONTRACTURES; Bethlem myopathy 1; Bethlem Muscular Dystrophy. Identifiers: Orphanet 610, MedGen CN029274, MONDO:0024530, OMIM 158810.

Submission:

Labcorp Genetics (formerly Invitae), Labcorp
Classification: Uncertain significance for Bethlem myopathy 1A. Last evaluated: 2021-10-13. Review status: criteria provided, single submitter. Criteria: Invitae Variant Classification Sherloc (09022015). Collection method: clinical testing. Allele origin: germline.
Comment: Variants that disrupt the consensus splice site are a relatively common cause of aberrant splicing (PMID: 17576681, 9536098). Algorithms developed to predict the effect of sequence changes on RNA splicing suggest that this variant is not likely to affect RNA splicing. In summary, the available evidence is currently insufficient to determine the role of this variant in disease. Therefore, it has been classified as a Variant of Uncertain Significance. This variant has not been reported in the literature in individuals affected with COL6A1-related conditions. This sequence change falls in intron 13 of the COL6A1 gene. It does not directly change the encoded amino acid sequence of the COL6A1 protein. It affects a nucleotide within the consensus splice site. The frequency data for this variant in the population databases is considered unreliable, as metrics indicate insufficient coverage at this position in the ExAC database.

Literature cited by the submitters: PubMed 17576681; PubMed 9536098.